The following is an entry in ClinVar:

ClinVar aggregate classification (germline): Uncertain significance. Review status: criteria provided, multiple submitters, no conflicts (2 of 4 stars). 2 submissions from 2 submitters: Uncertain significance (2). Last evaluated 2025-06-12.

Conditions:
SIK3-related disorder. Also called: SIK3-related condition.

Allele frequency attached by ClinVar (database versions not stated): ESP Exome Variant Server 0.00015; 1000 Genomes Project 30x 0.00016; 1000 Genomes Project 0.00020.
gnomAD v4.1: 107 of 1,595,956 alleles (0.0067%); highest among the groups gnomAD compares: East Asian, 0.02%; no homozygotes.

Submissions (2):

Ambry Genetics
Classification: Uncertain significance. Last evaluated: 2025-06-12. Review status: criteria provided, single submitter. Criteria: Ambry Variant Classification Scheme 2023. Collection method: clinical testing. Allele origin: germline.

PreventionGenetics, part of Exact Sciences
Classification: Uncertain significance for SIK3-related condition. Last evaluated: 2023-09-03. Review status: criteria provided, single submitter. Criteria: ACMG Guidelines, 2015. Collection method: clinical testing. Allele origin: germline.
Comment: The SIK3 c.2251C>G variant is predicted to result in the amino acid substitution p.Pro751Ala. To our knowledge, this variant has not been reported in the literature. This variant is reported in 0.022% of alleles in individuals of East Asian descent in gnomAD. At this time, the clinical significance of this variant is uncertain due to the absence of conclusive functional and genetic evidence.

NM_001366686.3(SIK3):c.2395C>G (p.Pro799Ala)

Gene: SIK3 (SIK family kinase 3; minus strand). Cytogenetic location: 11q23.3.
Variant type: single nucleotide variant.
Coding change: c.2395C>G on transcript NM_001366686.3 (MANE Select); coding-DNA position 2395, C replaced by G.
Protein change: p.Pro799Ala; replaces proline 799 with alanine.
Molecular consequence: missense variant.
Genome position (GRCh38, 1-based): chr11:116,861,304, G>C on the plus strand (C>G on the coding strand, the complement: SIK3 is on the minus strand). VCF-style: chr11-116861304-G-C. GRCh37 (hg19) VCF-style: chr11-116732020-G-C.
Other names: c.1774C>G, p.Pro592Ala (NM_001281748.3); c.2251C>G, p.Pro751Ala (NM_001281749.3, NM_025164.6); c.2077C>G (NM_025164.3); short protein forms P592A, P751A, P799A.
Identifiers: ClinVar variation 2634830 (VCV002634830.3), dbSNP rs368729211, ClinGen allele CA6290409.